The following is an entry in ClinVar:

NM_001386298.1(CIC):c.3971G>A (p.Arg1324Gln)

Gene: CIC (capicua transcriptional repressor; plus strand). Cytogenetic location: 19q13.2.
Variant type: single nucleotide variant.
Coding change: c.3971G>A on transcript NM_001386298.1 (MANE Select); coding-DNA position 3971, G replaced by A.
Protein change: p.Arg1324Gln; replaces arginine 1324 with glutamine.
Molecular consequence: missense variant.
Genome position (GRCh38, 1-based): chr19:42,289,290, G>A. VCF-style: chr19-42289290-G-A. GRCh37 (hg19) VCF-style: chr19-42793442-G-A.
Other names: c.3971G>A, p.Arg1324Gln (NM_001304815.2, NM_001379480.1, NM_001379482.1 and 6 more transcripts); c.1244G>A, p.Arg415Gln (NM_001379484.1, NM_001379485.1, NM_001439189.1 and 3 more transcripts); short protein forms R1324Q, R415Q.
Identifiers: ClinVar variation 4847367 (VCV004847367.1).

ClinVar aggregate classification (germline): Uncertain significance (1 of 4 stars; one submission).

gnomAD v4.1: 27 of 1,613,752 alleles (0.0017%); highest among the groups gnomAD compares: Admixed American, 0.017%; no homozygotes.

Submission:

Women's Health and Genetics/Laboratory Corporation of America, LabCorp
Classification: Uncertain significance. Last evaluated: 2026-03-09. Review status: criteria provided, single submitter. Criteria: LabCorp Variant Classification Summary - May 2015. Collection method: clinical testing. Allele origin: germline.
Comment: Variant summary: CIC c.1244G>A (p.Arg415Gln) results in a conservative amino acid change in the encoded protein sequence. Algorithms developed to predict the effect of missense changes on protein structure and function all suggest that this variant is likely to be tolerated. The variant allele was found at a frequency of 4.4e-05 in 250782 control chromosomes. This frequency is not significantly higher than estimated for disease-causing variants in CIC, allowing no conclusion about variant significance. To our knowledge, no occurrence of c.1244G>A in individuals affected with CIC-related conditions and no experimental evidence demonstrating its impact on protein function have been reported. No submitters have cited clinical-significance assessments for this variant to ClinVar. Based on the evidence outlined above, the variant was classified as uncertain significance.